The following is an entry in ClinVar:

NM_053025.4(MYLK):c.5626G>A (p.Asp1876Asn)

Genes: MYLK (myosin light chain kinase; minus strand), MYLK-AS1 (MYLK antisense RNA 1; plus strand). Cytogenetic location: 3q21.1.
Variant type: single nucleotide variant.
Coding change: c.5626G>A on transcript NM_053025.4 (MANE Select); coding-DNA position 5626, G replaced by A.
Protein change: p.Asp1876Asn; replaces aspartic acid 1876 with asparagine.
Molecular consequence: missense variant.
Genome position (GRCh38, 1-based): chr3:123,614,224, C>T on the plus strand (G>A on the coding strand, the complement: MYLK is on the minus strand). VCF-style: chr3-123614224-C-T. GRCh37 (hg19) VCF-style: chr3-123333071-C-T.
Other names: c.5098G>A, p.Asp1700Asn (NM_001321309.2); c.343G>A, p.Asp115Asn (NM_001438035.1, NM_053031.4); c.5419G>A, p.Asp1807Asn (NM_053026.4); c.5473G>A, p.Asp1825Asn (NM_053027.4); c.5266G>A, p.Asp1756Asn (NM_053028.4); c.346G>A, p.Asp116Asn (NM_053032.4); short protein forms D115N, D116N, D1700N, D1756N, D1807N, D1825N, D1876N.
Identifiers: ClinVar variation 4528123 (VCV004528123.1).

ClinVar aggregate classification (germline): Uncertain significance (1 of 4 stars; one submission).

Submission:

GeneDx
Classification: Uncertain significance. Last evaluated: 2025-05-05. Review status: criteria provided, single submitter. Criteria: GeneDx Variant Classification Process June 2021. Collection method: clinical testing. Allele origin: germline. Affected: yes.
Comment: Not observed at significant frequency in large population cohorts (gnomAD); In silico analysis supports that this missense variant has a deleterious effect on protein structure/function; Has not been previously published as pathogenic or benign to our knowledge